The following is an entry in ClinVar:

NM_000298.6(PKLR):c.1619-3C>A

Gene: PKLR (pyruvate kinase L/R; minus strand). Cytogenetic location: 1q22.
Variant type: single nucleotide variant.
Coding change: c.1619-3C>A on transcript NM_000298.6 (MANE Select); 3 bases into the intron before coding-DNA position 1619, C replaced by A.
Molecular consequence: intron variant.
Genome position (GRCh38, 1-based): chr1:155,290,681, G>T on the plus strand (C>A on the coding strand, the complement: PKLR is on the minus strand). VCF-style: chr1-155290681-G-T. GRCh37 (hg19) VCF-style: chr1-155260472-G-T.
Other names: c.1526-3C>A (NM_181871.4).
Identifiers: ClinVar variation 1331060 (VCV001331060.9), dbSNP rs777609966, ClinGen allele CA1143938.
Genomic context (GRCh38, chr1:155,290,681, plus strand): 5'-CGCCAGCCTGTCACCACAATCACCAGGTCTCCAACACGGAGGAAGCCACGGAGCTTTCCT[G>T]GGGGAGGGAAAGAAAACAAATCATTGGACAGGTGTGGTGGCTCACACCTGTAATCCCATC-3'

ClinVar aggregate classification (germline): Uncertain significance. Review status: criteria provided, multiple submitters, no conflicts (2 of 4 stars). 3 submissions from 3 submitters: Uncertain significance (3). Last evaluated 2024-05-21.

Allele frequency attached by ClinVar (database versions not stated): ExAC 0.00007; gnomAD exomes 0.00008; gnomAD 0.00003; TOPMed 0.00005.
gnomAD v4.1: 36 of 1,584,060 alleles (0.0023%); highest among the groups gnomAD compares: Admixed American, 0.035%; no homozygotes.

Submissions (3):

Revvity Omics, Revvity
Classification: Uncertain significance. Last evaluated: 2024-05-21. Review status: criteria provided, single submitter. Criteria: ACMG Guidelines, 2015. Collection method: clinical testing. Allele origin: germline.

ARUP Laboratories, Molecular Genetics and Genomics, ARUP Laboratories
Classification: Uncertain significance. Last evaluated: 2021-05-12. Review status: criteria provided, single submitter. Criteria: ARUP Molecular Germline Variant Investigation Process 2021. Collection method: clinical testing. Allele origin: germline.
Comment: The PKLR c.1619-3C>A variant (rs777609966) is reported in at least one individual purported to have pyruvate kinase deficiency (Zanella 2005), however this is a secondary citation and no additional variant was identified. This variant is found in the general population with an overall allele frequency of 0.0076% (19/248406 alleles) in the Genome Aggregation Database. This is an intronic variant in a weakly conserved nucleotide, but computational analyses (Alamut v.2.11) predict that this variant may impact splicing by weakening the nearby canonical acceptor splice site. However, given the lack of clinical and functional data, the significance of the c.1619-3C>A variant is uncertain at this time. References: Zanella A et al. Red cell pyruvate kinase deficiency: molecular and clinical aspects. Br J Haematol. 2005 Jul;130(1):11-25. PMID: 15982340.

Breakthrough Genomics
Classification: Uncertain significance. Review status: criteria provided, single submitter. Criteria: ACMG Guidelines, 2015. Collection method: not provided. Allele origin: germline. Inheritance: Autosomal recessive inheritance. Affected: yes.